The following is an entry in ClinVar:

NM_000199.5(SGSH):c.746-4A>G

Gene: SGSH (N-sulfoglucosamine sulfohydrolase; minus strand). Cytogenetic location: 17q25.3.
Variant type: single nucleotide variant.
Coding change: c.746-4A>G on transcript NM_000199.5 (MANE Select); 4 bases into the intron before coding-DNA position 746, A replaced by G.
Molecular consequence: intron variant.
Genome position (GRCh38, 1-based): chr17:80,212,278, T>C on the plus strand (A>G on the coding strand, the complement: SGSH is on the minus strand). VCF-style: chr17-80212278-T-C. GRCh37 (hg19) VCF-style: chr17-78186077-T-C.
Other names: c.746-4A>G (NM_001352921.3, NM_001352922.2).
Identifiers: ClinVar variation 325837 (VCV000325837.26), dbSNP rs7218267, ClinGen allele CA8817787.

ClinVar aggregate classification (germline): Benign. Review status: criteria provided, multiple submitters, no conflicts (2 of 4 stars). 7 submissions from 7 submitters: Benign (5). 2 of the submissions do not count toward it. Last evaluated 2026-02-04.

Conditions:
Mucopolysaccharidosis, MPS-III-A (MPS3A). Also called: MUCOPOLYSACCHARIDOSIS, TYPE IIIA, ATTENUATED; Mucopolysaccharidosis type IIIA (Sanfilippo A); mucopolysaccharidosis type 3A; MPS IIIA (Sanfilippo Syndrome Type A); MPS III A; HEPARAN SULFATE SULFATASE DEFICIENCY. Identifiers: Orphanet 581, Orphanet 79269, MedGen C0086647, MONDO:0009655, OMIM 252900.

Allele frequency attached by ClinVar (database versions not stated): gnomAD exomes 0.00400 and 0.01018; gnomAD 0.04197 and 0.04487; ExAC 0.01766; ESP Exome Variant Server 0.04888; TOPMed 0.04643; 1000 Genomes Project 0.04653; 1000 Genomes Project 30x 0.04934.
gnomAD v4.1: 12,421 of 1,602,186 alleles (0.78%); highest among the groups gnomAD compares: African/African-American, 15%; 865 homozygotes.

Submissions (7):

Labcorp Genetics (formerly Invitae), Labcorp
Classification: Benign for Mucopolysaccharidosis, MPS-III-A. Last evaluated: 2026-02-04. Review status: criteria provided, single submitter. Criteria: Invitae Variant Classification Sherloc (09022015). Collection method: clinical testing. Allele origin: germline.

Genome-Nilou Lab
Classification: Benign for Mucopolysaccharidosis, MPS-III-A. Last evaluated: 2021-11-07. Review status: criteria provided, single submitter. Criteria: ACMG Guidelines, 2015. Collection method: clinical testing. Allele origin: germline. Affected: no.

GeneDx
Classification: Benign. Last evaluated: 2019-04-23. Review status: criteria provided, single submitter. Criteria: GeneDx Variant Classification Process June 2021. Collection method: clinical testing. Allele origin: germline. Affected: yes.

Illumina Laboratory Services, Illumina
Classification: Benign for Mucopolysaccharidosis, MPS-III-A. Last evaluated: 2018-01-13. Review status: criteria provided, single submitter. Criteria: ICSL Variant Classification Criteria 13 December 2019. Collection method: clinical testing. Allele origin: germline.
Comment: This variant was observed in the ICSL laboratory as part of a predisposition screen in an ostensibly healthy population. It had not been previously curated by ICSL or reported in the Human Gene Mutation Database (HGMD: prior to June 1st, 2018), and was therefore a candidate for classification through an automated scoring system. Utilizing variant allele frequency, disease prevalence and penetrance estimates, and inheritance mode, an automated score was calculated to assess if this variant is too frequent to cause the disease. Based on the score and internal cut-off values, a variant classified as benign is not then subjected to further curation. The score for this variant resulted in a classification of benign for this disease.

Breakthrough Genomics
Classification: Benign. Review status: criteria provided, single submitter. Criteria: ACMG Guidelines, 2015. Collection method: not provided. Allele origin: germline. Inheritance: Autosomal recessive inheritance. Affected: yes.

Natera, Inc.
Classification: Benign for Mucopolysaccharidosis type IIIA. Last evaluated: 2019-09-09. Review status: no assertion criteria provided. Collection method: clinical testing. Allele origin: germline. Not counted in ClinVar's aggregate classification.

Mayo Clinic Laboratories, Mayo Clinic
Classification: Benign. Last evaluated: 2017-09-27. Review status: no assertion criteria provided. Collection method: clinical testing. Allele origin: unknown. Not counted in ClinVar's aggregate classification.